The following is an entry in ClinVar:

NM_001376571.1(MADD):c.2106T>G (p.Ser702=)

Gene: MADD (MAP kinase activating death domain; plus strand). Cytogenetic location: 11p11.2.
Variant type: single nucleotide variant.
Coding change: c.2106T>G on transcript NM_001376571.1 (MANE Select); coding-DNA position 2106, T replaced by G.
Protein change: p.Ser702=; no amino-acid change (serine 702 retained).
Molecular consequence: synonymous variant. On other transcripts: non-coding transcript variant (8).
Genome position (GRCh38, 1-based): chr11:47,284,514, T>G. VCF-style: chr11-47284514-T-G. GRCh37 (hg19) VCF-style: chr11-47306065-T-G.
Other names: c.2106T>G, p.Ser702= (NM_001376615.1, NM_001376616.1, NM_001376617.1 and 79 more transcripts); c.1902T>G, p.Ser634= (NM_001376620.1, NM_001376626.1, NM_001376627.1 and 9 more transcripts); c.1440T>G, p.Ser480= (NM_001376663.1); c.2082T>G, p.Ser694= (NM_001376602.1).
Identifiers: ClinVar variation 3025582 (VCV003025582.22), dbSNP rs1396577666, ClinGen allele CA474221897.

ClinVar aggregate classification (germline): Likely benign (1 of 4 stars; one submission).

Submission:

CeGaT Center for Human Genetics Tuebingen
Classification: Likely benign. Last evaluated: 2024-08-01. Review status: criteria provided, single submitter. Criteria: CeGaT Center For Human Genetics Tuebingen Variant Classification Criteria Version 2. Collection method: clinical testing. Allele origin: germline. Affected: yes. Observed: 2 variant alleles.
Comment: MADD: BP4, BP7